The following is an entry in ClinVar:

ClinVar aggregate classification (germline): Uncertain significance. Review status: criteria provided, multiple submitters, no conflicts (2 of 4 stars). 4 submissions from 4 submitters: Uncertain significance (4). Last evaluated 2026-01-13.

Conditions:
Pulmonary fibrosis and/or bone marrow failure syndrome, telomere-related, 8 (PFBMFT8). Identifiers: MedGen C5830496, MONDO:0957263, OMIM 620367.
Tumor predisposition syndrome 3 (TPDS3). Also called: Glioma susceptibility 9; LONG TELOMERE SYNDROME, POT1-RELATED; POT1 Tumor Predisposition; Melanoma, cutaneous malignant, susceptibility to, 10. Identifiers: Orphanet 618, MedGen C4014476, MONDO:0014368, OMIM 615848.
Cerebroretinal microangiopathy with calcifications and cysts 3 (CRMCC3). Identifiers: MedGen C5830497, MONDO:0957264, OMIM 620368.
POT1-related disorder. Also called: POT1-related condition.
Hereditary cancer-predisposing syndrome. Also called: Hereditary neoplastic syndrome; Hereditary Cancer Syndrome; Neoplastic Syndromes, Hereditary; Tumor predisposition. Identifiers: Orphanet 140162, MedGen C0027672, MeSH D009386, MONDO:0015356.

Allele frequency attached by ClinVar (database versions not stated): TOPMed below 0.00001; ExAC 0.00001; gnomAD exomes 0.00001.
gnomAD v4.1: 8 of 1,612,768 alleles (0.0005%); highest among the groups gnomAD compares: Middle Eastern, 0.017%; no homozygotes.

Submissions (4):

Labcorp Genetics (formerly Invitae), Labcorp
Classification: Uncertain significance for Tumor predisposition syndrome 3. Last evaluated: 2026-01-13. Review status: criteria provided, single submitter. Criteria: Invitae Variant Classification Sherloc (09022015). Collection method: clinical testing. Allele origin: germline.
Comment: This sequence change replaces alanine, which is neutral and non-polar, with threonine, which is neutral and polar, at codon 405 of the POT1 protein (p.Ala405Thr). This variant is present in population databases (rs753851042, gnomAD 0.006%). This variant has not been reported in the literature in individuals affected with POT1-related conditions. ClinVar contains an entry for this variant (Variation ID: 475030). Invitae Evidence Modeling of protein sequence and biophysical properties (such as structural, functional, and spatial information, amino acid conservation, physicochemical variation, residue mobility, and thermodynamic stability) indicates that this missense variant is not expected to disrupt POT1 protein function with a negative predictive value of 80%. In summary, the available evidence is currently insufficient to determine the role of this variant in disease. Therefore, it has been classified as a Variant of Uncertain Significance.

Ambry Genetics
Classification: Uncertain significance for Hereditary cancer-predisposing syndrome. Last evaluated: 2024-09-15. Review status: criteria provided, single submitter. Criteria: Ambry Variant Classification Scheme 2023. Collection method: clinical testing. Allele origin: germline.
Comment: The p.A405T variant (also known as c.1213G>A), located in coding exon 10 of the POT1 gene, results from a G to A substitution at nucleotide position 1213. The alanine at codon 405 is replaced by threonine, an amino acid with similar properties. This amino acid position is not well conserved in available vertebrate species. In addition, this alteration is predicted to be tolerated by in silico analysis. Since supporting evidence is limited at this time, the clinical significance of this alteration remains unclear.

Fulgent Genetics
Classification: Uncertain significance for Tumor predisposition syndrome 3; Pulmonary fibrosis and/or bone marrow failure syndrome, telomere-related, 8; Cerebroretinal microangiopathy with calcifications and cysts 3. Last evaluated: 2024-01-26. Review status: criteria provided, single submitter. Criteria: ACMG Guidelines, 2015. Collection method: clinical testing. Allele origin: germline.

PreventionGenetics, part of Exact Sciences
Classification: Uncertain significance for POT1-related condition. Last evaluated: 2022-08-26. Review status: criteria provided, single submitter. Criteria: ACMG Guidelines, 2015. Collection method: clinical testing. Allele origin: germline.
Comment: The POT1 c.1213G>A variant is predicted to result in the amino acid substitution p.Ala405Thr. To our knowledge, this variant has not been reported in the literature. This variant is reported in 0.0058% of alleles in individuals of Latino descent in gnomAD. At this time, the clinical significance of this variant is uncertain due to the absence of conclusive functional and genetic evidence.

NM_015450.3(POT1):c.1213G>A (p.Ala405Thr)

Gene: POT1 (protection of telomeres 1; minus strand). Cytogenetic location: 7q31.33.
Variant type: single nucleotide variant.
Coding change: c.1213G>A on transcript NM_015450.3 (MANE Select); coding-DNA position 1213, G replaced by A.
Protein change: p.Ala405Thr; replaces alanine 405 with threonine.
Molecular consequence: missense variant. On other transcripts: non-coding transcript variant (3).
Genome position (GRCh38, 1-based): chr7:124,841,129, C>T on the plus strand (G>A on the coding strand, the complement: POT1 is on the minus strand). VCF-style: chr7-124841129-C-T. GRCh37 (hg19) VCF-style: chr7-124481183-C-T.
Other names: c.820G>A, p.Ala274Thr (NM_001042594.2); short protein forms A405T, A274T.
Identifiers: ClinVar variation 475030 (VCV000475030.13), dbSNP rs753851042, ClinGen allele CA4465185.